The following is an entry in ClinVar:

ClinVar aggregate classification (germline): Pathogenic (1 of 4 stars; one submission).

Conditions:
Pulmonary fibrosis and/or bone marrow failure, Telomere-related, 3. Also called: PULMONARY FIBROSIS AND/OR BONE MARROW FAILURE SYNDROME, TELOMERE-RELATED, 3. Identifiers: Orphanet 2032, MedGen C4225346, MONDO:0014613, OMIM 616373.
Dyskeratosis congenita, autosomal recessive 5 (DKCB5). Identifiers: MedGen C3554656, MONDO:0014076, OMIM 615190.

Submission:

Labcorp Genetics (formerly Invitae), Labcorp
Classification: Pathogenic for Dyskeratosis congenita, autosomal recessive 5; Pulmonary fibrosis and/or bone marrow failure, Telomere-related, 3. Last evaluated: 2021-04-20. Review status: criteria provided, single submitter. Criteria: Invitae Variant Classification Sherloc (09022015). Collection method: clinical testing. Allele origin: germline.
Comment: For these reasons, this variant has been classified as Pathogenic. This variant has not been reported in the literature in individuals with RTEL1-related conditions. A gross deletion of the genomic region encompassing the full coding sequence of the RTEL1 gene has been identified. Loss-of-function variants in RTEL1 are known to be pathogenic (PMID: 23453664, 23959892, 25607374). The boundaries of this event are unknown as they extend beyond the assayed region for this gene and therefore may encompass additional genes.

Literature cited by the submitters: PubMed 23453664; PubMed 23959892; PubMed 25607374.

NC_000020.10:g.(?_61987307)_(62329916_?)del

Genes: CHRNA4 (cholinergic receptor nicotinic alpha 4 subunit; minus strand), EEF1A2 (eukaryotic translation elongation factor 1 alpha 2; minus strand), FNDC11 (fibronectin type III domain containing 11; plus strand), GMEB2 (glucocorticoid modulatory element binding protein 2; minus strand), HELZ2 (helicase with zinc finger 2; minus strand) and 7 more. Cytogenetic location: 20q13.33.
Variant type: Deletion.
Identifiers: ClinVar variation 1457920 (VCV001457920.8).